The following is an entry in ClinVar:

ClinVar aggregate classification (germline): Benign (1 of 4 stars; one submission).

Conditions:
Bardet-Biedl syndrome 2 (BBS2). Identifiers: Orphanet 110, MedGen C2936863, MONDO:0014432, OMIM 615981.

Allele frequency attached by ClinVar (database versions not stated): gnomAD exomes 0.00118; gnomAD 0.00766 and 0.00814; 1000 Genomes Project 0.00819; TOPMed 0.00851; 1000 Genomes Project 30x 0.00874.
gnomAD v4.1: 1,224 of 209,394 alleles (0.58%); highest among the groups gnomAD compares: African/African-American, 2.6%; 8 homozygotes.

Submission:

Illumina Laboratory Services, Illumina
Classification: Benign for Bardet-Biedl syndrome 2. Last evaluated: 2018-01-13. Review status: criteria provided, single submitter. Criteria: ICSL Variant Classification Criteria 13 December 2019. Collection method: clinical testing. Allele origin: germline.
Comment: This variant was observed in the ICSL laboratory as part of a predisposition screen in an ostensibly healthy population. It had not been previously curated by ICSL or reported in the Human Gene Mutation Database (HGMD: prior to June 1st, 2018), and was therefore a candidate for classification through an automated scoring system. Utilizing variant allele frequency, disease prevalence and penetrance estimates, and inheritance mode, an automated score was calculated to assess if this variant is too frequent to cause the disease. Based on the score and internal cut-off values, a variant classified as benign is not then subjected to further curation. The score for this variant resulted in a classification of benign for this disease.

NM_031885.5(BBS2):c.*316A>G

Gene: BBS2 (Bardet-Biedl syndrome 2; minus strand). Cytogenetic location: 16q13.
Variant type: single nucleotide variant.
Coding change: c.*316A>G on transcript NM_031885.5 (MANE Select); 316 bases downstream of the stop codon, A replaced by G.
Molecular consequence: 3 prime UTR variant. On other transcripts: non-coding transcript variant (4), intron variant (1).
Genome position (GRCh38, 1-based): chr16:56,484,445, T>C on the plus strand (A>G on the coding strand, the complement: BBS2 is on the minus strand). VCF-style: chr16-56484445-T-C. GRCh37 (hg19) VCF-style: chr16-56518357-T-C.
Other names: c.*2166+316A>G (NM_001377456.1).
Identifiers: ClinVar variation 319846 (VCV000319846.5), dbSNP rs17341965, ClinGen allele CA10648635.
Genomic context (GRCh38, chr16:56,484,445, plus strand): 5'-TTTAACATCTTTACATTTTAATGAAAAAGTAGATAATCTATTTGAAAAGTACAAACTCAA[T>C]TGCAATTTCAAGAAAAAAATATGTATTTATATACCATAAATAAGCAAAATTGGACTCTGA-3'